The following is an entry in ClinVar:

NM_000038.6(APC):c.7788A>G (p.Ser2596=)

Gene: APC (APC regulator of Wnt signaling pathway; plus strand). Cytogenetic location: 5q22.2.
Variant type: single nucleotide variant.
Coding change: c.7788A>G on transcript NM_000038.6 (MANE Select); coding-DNA position 7788, A replaced by G.
Protein change: p.Ser2596=; no amino-acid change (serine 2596 retained).
Molecular consequence: synonymous variant. On other transcripts: non-coding transcript variant (2).
Genome position (GRCh38, 1-based): chr5:112,843,382, A>G. VCF-style: chr5-112843382-A-G. GRCh37 (hg19) VCF-style: chr5-112179079-A-G.
Other names: c.7713A>G, p.Ser2571= (NM_001354898.2); c.7704A>G, p.Ser2568= (NM_001354899.2); c.7665A>G, p.Ser2555= (NM_001354900.2); c.7611A>G, p.Ser2537= (NM_001354901.2, NM_001407453.1); c.7515A>G, p.Ser2505= (NM_001354902.2); c.7485A>G, p.Ser2495= (NM_001354903.2, NM_001407458.1, NM_001407459.1 and 1 more transcripts); c.7410A>G, p.Ser2470= (NM_001354904.2); c.7308A>G, p.Ser2436= (NM_001354905.2); and 11 more.
Identifiers: ClinVar variation 3254452 (VCV003254452.1), dbSNP rs2149993864.

ClinVar aggregate classification (germline): Benign (1 of 4 stars; one submission).

Conditions:
Familial adenomatous polyposis 1 (FAP1). Also called: FAMILIAL ADENOMATOUS POLYPOSIS 1, ATTENUATED; POLYPOSIS, ADENOMATOUS INTESTINAL. Identifiers: MedGen C2713442, MONDO:0021056, OMIM 175100. Disease mechanism: loss of function.

Submission:

Myriad Genetics, Inc.
Classification: Benign for Familial adenomatous polyposis 1. Last evaluated: 2024-04-10. Review status: criteria provided, single submitter. Criteria: Myriad Autosomal Dominant, Autosomal Recessive and X-Linked Classification Criteria (2023). Collection method: clinical testing. Allele origin: unknown.
Comment: This variant is considered benign. This variant is a silent/synonymous amino acid change and it is not expected to impact splicing.